The following is an entry in ClinVar:

NM_001042492.3(NF1):c.8139_8143del (p.Phe2714fs)

Gene: NF1 (neurofibromin 1; plus strand). Cytogenetic location: 17q11.2.
Variant type: Deletion.
Coding change: c.8139_8143del on transcript NM_001042492.3 (MANE Select); coding-DNA positions 8139 to 8143, 5 bases deleted (GTTTG; older notation c.8139_8143delGTTTG).
Protein change: p.Phe2714fs; shifts the reading frame from phenylalanine 2714.
Molecular consequence: frameshift variant.
Genome position (GRCh38, 1-based): chr17:31,358,994-31,358,998, GTTTG deleted; deleting any 5 consecutive bases within chr17:31,358,993-31,358,998 gives the same sequence; the c. name uses the placement nearest the transcript's 3' end. VCF-style (leftmost placement, unchanged base first): chr17-31358992-CGGTTT-C. GRCh37 (hg19) VCF-style: chr17-29686010-CGGTTT-C.
Other names: c.8076_8080delGTTTG, p.Phe2693Argfs (NM_000267.4); short protein forms F2693fs, F2714fs.
Identifiers: ClinVar variation 1711435 (VCV001711435.30), dbSNP rs2508837920, ClinGen allele CA2580093500.

ClinVar aggregate classification (germline): Pathogenic (1 of 4 stars; one submission).

Submission:

CeGaT Center for Human Genetics Tuebingen
Classification: Pathogenic. Last evaluated: 2022-08-01. Review status: criteria provided, single submitter. Criteria: CeGaT Center For Human Genetics Tuebingen Variant Classification Criteria Version 2. Collection method: clinical testing. Allele origin: germline. Affected: yes. Observed: 1 variant allele.
Comment: NF1: PVS1, PM2